The following is an entry in ClinVar:

NM_001395413.1(POR):c.1713G>C (p.Glu571Asp)

Gene: POR (cytochrome p450 oxidoreductase; plus strand). Cytogenetic location: 7q11.23.
Variant type: single nucleotide variant.
Coding change: c.1713G>C on transcript NM_001395413.1 (MANE Select); coding-DNA position 1713, G replaced by C.
Protein change: p.Glu571Asp; replaces glutamic acid 571 with aspartic acid.
Molecular consequence: missense variant.
Genome position (GRCh38, 1-based): chr7:75,985,975, G>C. VCF-style: chr7-75985975-G-C. GRCh37 (hg19) VCF-style: chr7-75615293-G-C.
Other names: c.1713G>C, p.Glu571Asp (NM_001367562.3, NM_001382657.2, NM_001382658.3 and 1 more transcripts); c.1767G>C, p.Glu589Asp (NM_001382655.3); c.1563G>C, p.Glu521Asp (NM_001382662.3); short protein forms E521D, E571D, E589D.
Identifiers: ClinVar variation 1388216 (VCV001388216.3), dbSNP rs1414093729, ClinGen allele CA367750534.

ClinVar aggregate classification (germline): Uncertain significance (1 of 4 stars; one submission).

Conditions:
Congenital adrenal hyperplasia due to cytochrome P450 oxidoreductase deficiency. Also called: DISORDERED STEROIDOGENESIS DUE TO POR DEFICIENCY. Identifiers: Orphanet 95699, MedGen C1860042, MONDO:0013310, OMIM 613571.

gnomAD v4.1: 1 of 1,584,760 alleles (0.000063%); highest among the groups gnomAD compares: Non-Finnish European, 0.000086%; no homozygotes.

Submission:

Labcorp Genetics (formerly Invitae), Labcorp
Classification: Uncertain significance for Congenital adrenal hyperplasia due to cytochrome P450 oxidoreductase deficiency. Last evaluated: 2021-10-20. Review status: criteria provided, single submitter. Criteria: Invitae Variant Classification Sherloc (09022015). Collection method: clinical testing. Allele origin: germline.
Comment: This sequence change replaces glutamic acid with aspartic acid at codon 574 of the POR protein (p.Glu574Asp). The glutamic acid residue is highly conserved and there is a small physicochemical difference between glutamic acid and aspartic acid. This variant is not present in population databases (ExAC no frequency). This variant has not been reported in the literature in individuals affected with POR-related conditions. Algorithms developed to predict the effect of missense changes on protein structure and function are either unavailable or do not agree on the potential impact of this missense change (SIFT: "Deleterious"; PolyPhen-2: "Benign"; Align-GVGD: "Class C0"). In summary, the available evidence is currently insufficient to determine the role of this variant in disease. Therefore, it has been classified as a Variant of Uncertain Significance.